The following is an entry in ClinVar:

ClinVar aggregate classification (germline): Uncertain significance (1 of 4 stars; one submission).

Conditions:
ARID1B-Related Disorder. Identifiers: MedGen CN381337.

Submission:

PreventionGenetics, part of Exact Sciences
Classification: Uncertain significance for ARID1B-related condition. Last evaluated: 2023-05-16. Review status: criteria provided, single submitter. Criteria: ACMG Guidelines, 2015. Collection method: clinical testing. Allele origin: germline.
Comment: The ARID1B c.2480G>C variant is predicted to result in the amino acid substitution p.Gly827Ala. To our knowledge, this variant has not been reported in the literature or in a large population database, indicating this variant is rare. At this time, the clinical significance of this variant is uncertain due to the absence of conclusive functional and genetic evidence.

NM_001374828.1(ARID1B):c.2690G>C (p.Gly897Ala)

Gene: ARID1B (AT-rich interaction domain 1B; plus strand). Cytogenetic location: 6q25.3.
Variant type: single nucleotide variant.
Coding change: c.2690G>C on transcript NM_001374828.1 (MANE Select); coding-DNA position 2690, G replaced by C.
Protein change: p.Gly897Ala; replaces glycine 897 with alanine.
Molecular consequence: missense variant.
Genome position (GRCh38, 1-based): chr6:157,133,136, G>C. VCF-style: chr6-157133136-G-C. GRCh37 (hg19) VCF-style: chr6-157454270-G-C.
Other names: c.2690G>C, p.Gly897Ala (NM_017519.3); c.2480G>C, p.Gly827Ala (NM_020732.3); c.2267G>C, p.Gly756Ala (NM_175863.2); c.2441G>C, p.Gly814Ala (NM_001346813.1); c.191G>C, p.Gly64Ala (NM_001363725.2); c.2729G>C, p.Gly910Ala (NM_001371656.1, NM_001374820.1); short protein forms G64A, G756A, G814A, G827A, G897A, G910A.
Identifiers: ClinVar variation 2633274 (VCV002633274.1), dbSNP rs2537640495, ClinGen allele CA366388429.
Genomic context (GRCh38, chr6:157,133,136, plus strand): 5'-CTCAACAGACAGGACCATCCATGTCGCCTCATCCTTCTCCTGGGGGCCAGATGCATGCTG[G>C]AATCAGTAGCTTTCAGCAGAGTAACTCAAGTGGGACTTACGGTCCACAGATGAGCCAGTA-3'
Protein context (NP_001361757.1, residues 887-907): HPSPGGQMHA[Gly897Ala]ISSFQQSNSS